The following is an entry in ClinVar:

ClinVar aggregate classification (germline): Benign. Review status: criteria provided, single submitter (1 of 4 stars). 2 submissions from 2 submitters: Benign (1). 1 of the submissions does not count toward it. Last evaluated 2019-12-31.

Conditions:
PRRX1-related disorder. Also called: PRRX1-related condition.

Allele frequency attached by ClinVar (database versions not stated): gnomAD exomes 0.00035 and 0.00010; 1000 Genomes Project 30x 0.00062; gnomAD 0.00121; TOPMed 0.00128; 1000 Genomes Project 0.00080; ESP Exome Variant Server 0.00138; ExAC 0.00044.
gnomAD v4.1: 352 of 1,613,760 alleles (0.022%); highest among the groups gnomAD compares: African/African-American, 0.39%; 1 homozygote.

Submissions (2):

Labcorp Genetics (formerly Invitae), Labcorp
Classification: Benign. Last evaluated: 2019-12-31. Review status: criteria provided, single submitter. Criteria: Invitae Variant Classification Sherloc (09022015). Collection method: clinical testing. Allele origin: germline.

PreventionGenetics, part of Exact Sciences
Classification: Likely benign for PRRX1-related condition. Last evaluated: 2019-02-22. Review status: no assertion criteria provided. Collection method: clinical testing. Allele origin: germline. Not counted in ClinVar's aggregate classification.
Comment: This variant is classified as likely benign based on ACMG/AMP sequence variant interpretation guidelines (Richards et al. 2015 PMID: 25741868, with internal and published modifications).

NM_022716.4(PRRX1):c.417+7C>G

Gene: PRRX1 (paired related homeobox 1; plus strand). Cytogenetic location: 1q24.2.
Variant type: single nucleotide variant.
Coding change: c.417+7C>G on transcript NM_022716.4 (MANE Select); 7 bases into the intron after coding-DNA position 417, C replaced by G.
Molecular consequence: intron variant.
Genome position (GRCh38, 1-based): chr1:170,719,908, C>G. VCF-style: chr1-170719908-C-G. GRCh37 (hg19) VCF-style: chr1-170689049-C-G.
Other names: c.417+7C>G (NM_006902.5).
Identifiers: ClinVar variation 720998 (VCV000720998.6), dbSNP rs185136214, ClinGen allele CA1239508.